The following is an entry in ClinVar:

ClinVar aggregate classification (germline): Pathogenic/Likely pathogenic. Review status: criteria provided, multiple submitters, no conflicts (2 of 4 stars). 5 submissions from 5 submitters: Pathogenic (2); Likely pathogenic (2). 1 of the submissions does not count toward it. Last evaluated 2024-03-02.

Conditions:
AGXT-related disorder. Also called: AGXT-related condition.
Primary hyperoxaluria, type I (HP1). Also called: GLYCOLIC ACIDURIA; HEPATIC AGT DEFICIENCY; OXALOSIS I; Primary hyperoxaluria type 1. Identifiers: Orphanet 416, Orphanet 93598, MedGen C0268164, MONDO:0009823, OMIM 259900. Disease mechanism: loss of function.

Allele frequency attached by ClinVar (database versions not stated): gnomAD exomes below 0.00001.
gnomAD v4.1: 2 of 1,613,284 alleles (0.00012%); highest among the groups gnomAD compares: Non-Finnish European, 0.00017%; no homozygotes.

Submissions (5):

Baylor Genetics
Classification: Pathogenic for Primary hyperoxaluria, type I. Last evaluated: 2024-03-02. Review status: criteria provided, single submitter. Criteria: ACMG Guidelines, 2015. Collection method: clinical testing. Allele origin: unknown.

Labcorp Genetics (formerly Invitae), Labcorp
Classification: Pathogenic. Last evaluated: 2023-06-15. Review status: criteria provided, single submitter. Criteria: Invitae Variant Classification Sherloc (09022015). Collection method: clinical testing. Allele origin: germline.
Comment: This sequence change replaces valine, which is neutral and non-polar, with aspartic acid, which is acidic and polar, at codon 336 of the AGXT protein (p.Val336Asp). This variant is present in population databases (rs180177155, gnomAD 0.0009%). This missense change has been observed in individuals with primary hyperoxaluria type 1 (PMID: 25629080, 34082749). ClinVar contains an entry for this variant (Variation ID: 204143). Advanced modeling of protein sequence and biophysical properties (such as structural, functional, and spatial information, amino acid conservation, physicochemical variation, residue mobility, and thermodynamic stability) has been performed at Invitae for this missense variant, however the output from this modeling did not meet the statistical confidence thresholds required to predict the impact of this variant on AGXT protein function. Experimental studies have shown that this missense change affects AGXT function (PMID: 18448374, 22529745). For these reasons, this variant has been classified as Pathogenic.

Revvity Omics, Revvity
Classification: Likely pathogenic for Primary hyperoxaluria, type I. Last evaluated: 2022-12-08. Review status: criteria provided, single submitter. Criteria: ACMG Guidelines, 2015. Collection method: clinical testing. Allele origin: germline.

Blueprint Genetics
Classification: Likely pathogenic for AGXT-related disorders. Last evaluated: 2020-10-21. Review status: criteria provided, single submitter. Criteria: ACMG Guidelines, 2015. Collection method: clinical testing. Allele origin: germline. Affected: yes. Observed: 1 variant allele.

Clinical Biochemistry Laboratory, Health Services Laboratory
Classification: Pathogenic for Primary hyperoxaluria, type I. Last evaluated: 2014-11-27. Review status: no assertion criteria provided. Collection method: in vitro. Allele origin: germline. Affected: yes. Not counted in ClinVar's aggregate classification.

Literature cited by the submitters: PubMed 25629080 (cited by Labcorp Genetics (formerly Invitae), Labcorp); PubMed 34082749 (cited by Labcorp Genetics (formerly Invitae), Labcorp); PubMed 18448374 (cited by Labcorp Genetics (formerly Invitae), Labcorp and Clinical Biochemistry Laboratory, Health Services Laboratory); PubMed 22529745 (cited by Labcorp Genetics (formerly Invitae), Labcorp); PubMed 15253729 (cited by Clinical Biochemistry Laboratory, Health Services Laboratory).

NM_000030.3(AGXT):c.1007T>A (p.Val336Asp)

Gene: AGXT (alanine--glyoxylate aminotransferase; plus strand). Cytogenetic location: 2q37.3.
Variant type: single nucleotide variant.
Coding change: c.1007T>A on transcript NM_000030.3 (MANE Select); coding-DNA position 1007, T replaced by A.
Protein change: p.Val336Asp; replaces valine 336 with aspartic acid.
Molecular consequence: missense variant.
Genome position (GRCh38, 1-based): chr2:240,878,086, T>A. VCF-style: chr2-240878086-T-A. GRCh37 (hg19) VCF-style: chr2-241817503-T-A.
Other names: short protein forms V336D.
Identifiers: ClinVar variation 204143 (VCV000204143.10), dbSNP rs180177155, ClinGen allele CA275775.
Genomic context (GRCh38, chr2:240,878,086, plus strand): 5'-TCCGGCTTCCCACAGTCACCACTGTGGCTGTACCCGCTGGCTATGACTGGAGAGACATCG[T>A]CAGCTACGTCATAGACCACTTCGACATTGAGATCATGGGTGGCCTTGGGCCCTCCACGGG-3'
Protein context (NP_000021.1, residues 326-346): VPAGYDWRDI[Val336Asp]SYVIDHFDIE